The following is an entry in ClinVar:

NM_000071.3(CBS):c.325T>C (p.Cys109Arg)

Gene: CBS (cystathionine beta-synthase; minus strand). Cytogenetic location: 21q22.3.
Variant type: single nucleotide variant.
Coding change: c.325T>C on transcript NM_000071.3 (MANE Select); coding-DNA position 325, T replaced by C.
Protein change: p.Cys109Arg; replaces cysteine 109 with arginine.
Molecular consequence: missense variant.
Genome position (GRCh38, 1-based): chr21:43,066,369, A>G on the plus strand (T>C on the coding strand, the complement: CBS is on the minus strand). VCF-style: chr21-43066369-A-G. GRCh37 (hg19) VCF-style: chr21-44486479-A-G.
Other names: p.C109R:TGT>CGT; c.325T>C, p.Cys109Arg (NM_001178008.3, NM_001178009.3, NM_001320298.2); c.10T>C, p.Cys4Arg (NM_001321072.1); short protein forms C109R, C4R.
Identifiers: ClinVar variation 212878 (VCV000212878.35), dbSNP rs778220779, ClinGen allele CA324303.

ClinVar aggregate classification (germline): Pathogenic/Likely pathogenic. Review status: criteria provided, multiple submitters, no conflicts (2 of 4 stars). 14 submissions from 14 submitters: Pathogenic (9); Likely pathogenic (4). 1 of the submissions does not count toward it. Last evaluated 2026-10-06.

Conditions:
CBS-related disorder. Also called: CBS-related condition.
Familial thoracic aortic aneurysm and aortic dissection (TAAD). Also called: Thoracic aortic aneurysms and dissections. Identifiers: Orphanet 91387, MedGen C4707243, MONDO:0019625.
Thoracic aortic aneurysm or dissection.
Homocystinuria. Identifiers: MedGen C0019880, MONDO:0004737, HP:0002156.
Classic homocystinuria. Also called: Homocystinuria due to Cystathionine Beta-Synthase Deficiency; HOMOCYSTINURIA WITH OR WITHOUT RESPONSE TO PYRIDOXINE; Homocystinuria due to CBS deficiency; Cystathionine beta-synthase deficiency; CBS deficiency. Identifiers: Orphanet 394, MedGen C0751202, MONDO:0009352, OMIM 236200.
HYPERHOMOCYSTEINEMIA, THROMBOTIC, CBS-RELATED. Identifiers: MedGen C3150344, OMIM 236200.

Allele frequency attached by ClinVar (database versions not stated): gnomAD 0.00002; TOPMed 0.00003; gnomAD exomes 0.00002.

Submissions (14):

NHS Central & South Genomic Laboratory Hub
Classification: Likely pathogenic for Thoracic aortic aneurysm or dissection. Last evaluated: 2026-10-06. Review status: criteria provided, single submitter. Criteria: ACMG Guidelines, 2015. Collection method: clinical testing. Allele origin: germline. Affected: yes.

PreventionGenetics, part of Exact Sciences
Classification: Likely pathogenic for CBS-related condition. Last evaluated: 2026-07-21. Review status: criteria provided, single submitter. Criteria: ACMG Guidelines, 2015. Collection method: clinical testing. Allele origin: germline.
Comment: The CBS c.325T>C variant is predicted to result in the amino acid substitution p.Cys109Arg. This variant has been reported with a second CBS variant in individuals with homocystinuria (Gaustadnes et al. 2002. PubMed ID: 12124992; Sweetser et al. 2016. PubMed ID: 27959664; Voskoboeva et al. 2017. PubMed ID: 29326875). This variant is reported in 0.0026% of alleles in individuals of European (non-Finnish) descent in gnomAD. In vivo experimental studies suggest this variant impacts protein function (Gaustadnes et al. 2002. PubMed ID: 12124992; Mayfield et al. 2012. PubMed ID: 22267502). This variant is interpreted as likely pathogenic.

Ambry Genetics
Classification: Pathogenic for Familial thoracic aortic aneurysm and aortic dissection. Last evaluated: 2025-09-30. Review status: criteria provided, single submitter. Criteria: Ambry Variant Classification Scheme 2023. Collection method: clinical testing. Allele origin: germline.
Comment: The p.C109R pathogenic mutation (also known as c.325T>C), located in coding exon 3 of the CBS gene, results from a T to C substitution at nucleotide position 325. The cysteine at codon 109 is replaced by arginine, an amino acid with highly dissimilar properties. This variant has been identified in the homozygous state and/or in conjunction with other CBS variant(s) in individual(s) with features consistent with CBS-related homocystinuria (Gaustadnes M et al. Hum Mutat, 2002 Aug;20:117-26; Sweetser DA et al. N Engl J Med, 2016 Nov;375:1879-1890; Asamoah A et al. Int J Neonatal Screen, 2021 Jul;7:). In an assay testing CBS function, this variant showed a functionally abnormal result (Mayfield JA et al. Genetics, 2012 Apr;190:1309-23). This amino acid position is highly conserved in available vertebrate species. In addition, this alteration is predicted to be deleterious by in silico analysis. Based on the supporting evidence, this variant is interpreted as a disease-causing mutation.

Labcorp Genetics (formerly Invitae), Labcorp
Classification: Pathogenic for HYPERHOMOCYSTEINEMIA, THROMBOTIC, CBS-RELATED. Last evaluated: 2025-08-29. Review status: criteria provided, single submitter. Criteria: Invitae Variant Classification Sherloc (09022015). Collection method: clinical testing. Allele origin: germline.
Comment: This sequence change replaces cysteine, which is neutral and slightly polar, with arginine, which is basic and polar, at codon 109 of the CBS protein (p.Cys109Arg). This variant is present in population databases (rs778220779, gnomAD 0.003%). This missense change has been observed in individual(s) with homocystinuria (PMID: 12124992). In at least one individual the data is consistent with being in trans (on the opposite chromosome) from a pathogenic variant. ClinVar contains an entry for this variant (Variation ID: 212878). Invitae Evidence Modeling of protein sequence and biophysical properties (such as structural, functional, and spatial information, amino acid conservation, physicochemical variation, residue mobility, and thermodynamic stability) indicates that this missense variant is expected to disrupt CBS protein function with a positive predictive value of 95%. Experimental studies have shown that this missense change affects CBS function (PMID: 12124992, 22267502). For these reasons, this variant has been classified as Pathogenic.

GeneDx
Classification: Pathogenic. Last evaluated: 2025-02-06. Review status: criteria provided, single submitter. Criteria: GeneDx Variant Classification Process June 2021. Collection method: clinical testing. Allele origin: germline. Affected: yes.
Comment: In a yeast system lacking the CBS ortholog, expression of a construct with C109R showed a failure to restore function/rescue growth (PMID: 22267502, 12124992); Not observed at significant frequency in large population cohorts (gnomAD); In silico analysis supports that this missense variant has a deleterious effect on protein structure/function; This variant is associated with the following publications: (PMID: 27959664, 12124992, 29326875, PramparoT2023[Abstract], 22267502, 34449521)

ARUP Laboratories, Molecular Genetics and Genomics, ARUP Laboratories
Classification: Likely pathogenic. Last evaluated: 2024-07-08. Review status: criteria provided, single submitter. Criteria: ARUP Molecular Germline Variant Investigation Process 2024. Collection method: clinical testing. Allele origin: germline.
Comment: The CBS c.325T>C; p.Cys109Arg variant (rs778220779, ClinVar Variation ID: 212878) is reported in the literature in compound heterozygous individuals affected with homocystinuria (Gaustadnes 2002, Sweetser 2016, Voskoboeva 2017). This variant is found in the general population with an overall allele frequency of 0.002% (4/250,848 alleles) in the Genome Aggregation Database (v2.1.1). Computational analyses predict that this variant is deleterious (REVEL: 0.979). Additionally, in vitro functional analyses in a yeast ortholog demonstrate decreased CBS production and activity (Gaustadnes 2002, Mayfield 2012). Based on available information, this variant is considered to be likely pathogenic. References: Gaustadnes M et al. The molecular basis of cystathionine beta-synthase deficiency in Australian patients: genotype-phenotype correlations and response to treatment. Hum Mutat. 2002 Aug;20(2):117-26. PMID: 12124992. Mayfield JA et al. Surrogate genetics and metabolic profiling for characterization of human disease alleles. Genetics. 2012 Apr;190(4):1309-23. PMID: 22267502. Sweetser DA et al. Case 34-2016. A 17-Year-Old Boy with Myopia and Craniofacial and Skeletal Abnormalities. N Engl J Med. 2016 Nov 10;375(19):1879-1890. PMID: 27959664. Voskoboeva E et al. Homocystinuria due to cystathionine beta-synthase (CBS) deficiency in Russia: Molecular and clinical characterization. Mol Genet Metab Rep. 2017 Dec 27;14:47-54. PMID: 29326875.

Natera, Inc.
Classification: Pathogenic for Homocystinuria due to cystathionine beta-synthase deficiency. Last evaluated: 2024-06-14. Review status: criteria provided, single submitter. Criteria: Natera Variant Classification Schema (03/2026). Collection method: clinical testing. Allele origin: germline.
Comment: The c.325T>C variant in CBS is a missense variant predicted to cause substitution of cysteine to arginine at amino acid 109. This variant is rare in the general population with a frequency below the threshold expected for the associated phenotype(s). This variant has been observed in one or more individuals affected with the associated recessive disease, as either homozygous or compound heterozygous with a second variant (PMID: 12124992, 29326875). Given the available evidence, this variant is classified as Pathogenic.

Department of Pathology and Laboratory Medicine, Sinai Health System
Classification: Pathogenic for Classic homocystinuria. Last evaluated: 2023-09-30. Review status: criteria provided, single submitter. Criteria: ACMG Guidelines, 2015. Collection method: research. Allele origin: germline.

Baylor Genetics
Classification: Pathogenic for Classic homocystinuria. Last evaluated: 2023-09-12. Review status: criteria provided, single submitter. Criteria: ACMG Guidelines, 2015. Collection method: clinical testing. Allele origin: unknown.

Laboratory for Molecular Medicine, Mass General Brigham Personalized Medicine
Classification: Likely pathogenic for Classic homocystinuria. Last evaluated: 2019-01-24. Review status: criteria provided, single submitter. Criteria: ACMG Guidelines, 2015. Collection method: clinical testing. Allele origin: germline. Inheritance: Autosomal recessive inheritance.
Comment: The p.Cys109Arg variant in CBS has been reported in the compound heterozygous state in 3 individuals and in the heterozygous state in 1 individual with homocystinuria (Gaustadnes 2002, Voskoboeva 2018). It has also been identified in 3/113348 of European chromosomes by gnomAD. Computational prediction tools and conservation analysis do not provide strong support for or against an impact to the protein. In vitro functional studies support an impact on protein function (Mayfield 2012), though these studies may not accurately represent biological function. In summary, although additional studies are required to fully establish its clinical significance, this variant meets criteria to be classified as likely pathogenic for autosomal recessive homocystinuria. ACMG/AMP Criteria applied: PM3_Strong, PM2, PS3_Moderate.

Blueprint Genetics
Classification: Pathogenic for CBS-related disorders. Last evaluated: 2018-12-07. Review status: criteria provided, single submitter. Criteria: ACMG Guidelines, 2015. Collection method: clinical testing. Allele origin: germline. Affected: yes. Observed: 1 variant allele.

Eurofins Ntd Llc (ga)
Classification: Pathogenic. Last evaluated: 2017-05-02. Review status: criteria provided, single submitter. Criteria: EGL Classification Definitions 2015. Collection method: clinical testing. Allele origin: germline. Observed: 3 variant alleles, 3 heterozygotes.

Women's Health and Genetics/Laboratory Corporation of America, LabCorp
Classification: Pathogenic for Homocystinuria. Last evaluated: 2016-01-26. Review status: criteria provided, single submitter. Criteria: LabCorp Variant Classification Summary - May 2015. Collection method: clinical testing. Allele origin: germline.
Comment: Variant summary: The c.325T>C in CBS gene is a missense variant that involves a highly conserved nucleotide and 5/5 in silico tools predict deleterious outcome. The variant is absent from the broad control population dataset of ExAC, suggesting this variant is not a common polymorphism. The variant has been reported in several affected individuals presented with features suggestive of Cystathionine--synthase deficiency. Functional studies performed in yeast-based system showed conflicting results in experiments with B6 supplementation, low enzymatic activity and non-functional yeast phenotype. The variant of interest has been reported as Pathogenic by several reputable databases/diagnostic centers without providing evidence to independently evaluate. Taking together, the variant was classified as Pathogenic.

Counsyl
Classification: Likely pathogenic for Classic homocystinuria. Last evaluated: 2018-01-17. Review status: no assertion criteria provided. Collection method: clinical testing. Allele origin: unknown. Not counted in ClinVar's aggregate classification.

Literature cited by the submitters: PubMed 12124992 (cited by 7 submitters); PubMed 22267502 (cited by 6 submitters); PubMed 27959664 (cited by Ambry Genetics and Counsyl); PubMed 34449521 (cited by Ambry Genetics); PubMed 29326875 (cited by 3 submitters).